The following is an entry in ClinVar:

NM_000057.4(BLM):c.461G>T (p.Trp154Leu)

Gene: BLM (BLM RecQ like helicase; plus strand). Cytogenetic location: 15q26.1.
Variant type: single nucleotide variant.
Coding change: c.461G>T on transcript NM_000057.4 (MANE Select); coding-DNA position 461, G replaced by T.
Protein change: p.Trp154Leu; replaces tryptophan 154 with leucine.
Molecular consequence: missense variant. On other transcripts: 5 prime UTR variant (1).
Genome position (GRCh38, 1-based): chr15:90,749,729, G>T. VCF-style: chr15-90749729-G-T. GRCh37 (hg19) VCF-style: chr15-91292959-G-T.
Other names: c.461G>T, p.Trp154Leu (NM_001287246.2, NM_001287247.2); c.-831G>T (NM_001287248.2); short protein forms W154L.
Identifiers: ClinVar variation 3672184 (VCV003672184.2).

ClinVar aggregate classification (germline): Uncertain significance (1 of 4 stars; one submission).

Conditions:
Bloom syndrome (BLM). Also called: Bloom-Torre-Machacek syndrome. Identifiers: Orphanet 125, MedGen C0005859, MONDO:0008876, OMIM 210900.

Submission:

Labcorp Genetics (formerly Invitae), Labcorp
Classification: Uncertain significance for Bloom syndrome. Last evaluated: 2024-08-06. Review status: criteria provided, single submitter. Criteria: Invitae Variant Classification Sherloc (09022015). Collection method: clinical testing. Allele origin: germline.
Comment: This sequence change replaces tryptophan, which is neutral and slightly polar, with leucine, which is neutral and non-polar, at codon 154 of the BLM protein (p.Trp154Leu). This variant is not present in population databases (gnomAD no frequency). This variant has not been reported in the literature in individuals affected with BLM-related conditions. An algorithm developed to predict the effect of missense changes on protein structure and function (PolyPhen-2) suggests that this variant is likely to be disruptive. In summary, the available evidence is currently insufficient to determine the role of this variant in disease. Therefore, it has been classified as a Variant of Uncertain Significance.